The following is an entry in ClinVar:

NM_000159.4(GCDH):c.743C>T (p.Pro248Leu)

Gene: GCDH (glutaryl-CoA dehydrogenase; plus strand). Cytogenetic location: 19p13.13.
Variant type: single nucleotide variant.
Coding change: c.743C>T on transcript NM_000159.4 (MANE Select); coding-DNA position 743, C replaced by T.
Protein change: p.Pro248Leu; replaces proline 248 with leucine.
Molecular consequence: missense variant. On other transcripts: non-coding transcript variant (2).
Genome position (GRCh38, 1-based): chr19:12,896,312, C>T. VCF-style: chr19-12896312-C-T. GRCh37 (hg19) VCF-style: chr19-13007126-C-T.
Other names: c.743C>T, p.Pro248Leu (NM_013976.5); c.743C>T (NM_000159.3); short protein forms P248L.
Identifiers: ClinVar variation 370244 (VCV000370244.17), dbSNP rs1057516344, ClinGen allele CA16041971.

ClinVar aggregate classification (germline): Pathogenic/Likely pathogenic. Review status: criteria provided, multiple submitters, no conflicts (2 of 4 stars). 11 submissions from 11 submitters: Pathogenic (9); Likely pathogenic (1). 1 of the submissions does not count toward it. Last evaluated 2024-12-04.

Conditions:
Glutaric aciduria, type 1. Also called: Glutaric acidemia type I; Glutaricacidemia Type 1; Glutaryl-CoA dehydrogenase deficiency; Glutaric Acidemia Type 1; GA I; Glutaricaciduria, type I. Identifiers: Orphanet 25, MedGen C0268595, MONDO:0009281, OMIM 231670.
GCDH-related disorder. Also called: GCDH-related condition.

Allele frequency attached by ClinVar (database versions not stated): gnomAD 0.00003; gnomAD exomes below 0.00001.
gnomAD v4.1: 8 of 1,614,048 alleles (0.0005%); highest among the groups gnomAD compares: Non-Finnish European, 0.00068%; no homozygotes.

Submissions (11):

Natera, Inc.
Classification: Pathogenic for Glutaric acidemia type 1. Last evaluated: 2024-12-04. Review status: criteria provided, single submitter. Criteria: Natera Variant Classification Schema (03/2026). Collection method: clinical testing. Allele origin: germline.
Comment: The c.743C>T variant in GCDH is a missense variant predicted to cause substitution of proline to leucine at amino acid 248. This variant is rare in the general population with a frequency below the threshold expected for the associated phenotype(s). This variant has been observed in one or more individuals affected with the associated recessive disease, as either homozygous or compound heterozygous with a second variant (PMID: 33578440). Given the available evidence, this variant is classified as Pathogenic.

Revvity Omics, Revvity
Classification: Pathogenic for Glutaric aciduria, type 1. Last evaluated: 2024-06-26. Review status: criteria provided, single submitter. Criteria: ACMG Guidelines, 2015. Collection method: clinical testing. Allele origin: germline.

Baylor Genetics
Classification: Pathogenic for Glutaric aciduria, type 1. Last evaluated: 2024-02-17. Review status: criteria provided, single submitter. Criteria: ACMG Guidelines, 2015. Collection method: clinical testing. Allele origin: unknown.

3billion
Classification: Pathogenic for Glutaric aciduria, type 1. Last evaluated: 2023-12-13. Review status: criteria provided, single submitter. Criteria: ACMG Guidelines, 2015. Collection method: clinical testing. Allele origin: germline. Affected: yes.
Comment: The variant is observed at an extremely low frequency in the gnomAD v2.1.1 dataset (total allele frequency: 0.013%). Predicted Consequence/Location: Missense variant Functional studies provide moderate evidence of the variant having a damaging effect on the gene or gene product (PMID: 28062662). In silico tool predictions suggest damaging effect of the variant on gene or gene product [REVEL: 0.93 (>=0.6, sensitivity 0.68 and specificity 0.92); 3Cnet: 0.87 (>=0.6, sensitivity 0.72 and precision 0.9)]. Same nucleotide change resulting in same amino acid change has been previously reported as pathogenic/likely pathogenic with strong evidence (ClinVar ID: VCV000370244 /PMID: 10699052).The variant has been reported to be in trans with a pathogenic variant as either compound heterozygous or homozygous in at least 2 similarly affected unrelated individuals (PMID: 15505393, 33578440). Therefore, this variant is classified as Pathogenic according to the recommendation of ACMG/AMP guideline.

Labcorp Genetics (formerly Invitae), Labcorp
Classification: Pathogenic for Glutaric aciduria, type 1. Last evaluated: 2023-04-28. Review status: criteria provided, single submitter. Criteria: Invitae Variant Classification Sherloc (09022015). Collection method: clinical testing. Allele origin: germline.
Comment: For these reasons, this variant has been classified as Pathogenic. Advanced modeling of protein sequence and biophysical properties (such as structural, functional, and spatial information, amino acid conservation, physicochemical variation, residue mobility, and thermodynamic stability) performed at Invitae indicates that this missense variant is expected to disrupt GCDH protein function. ClinVar contains an entry for this variant (Variation ID: 370244). This missense change has been observed in individual(s) with glutaryl CoA dehydrogenase deficiency (PMID: 16377226, 28438223, 32240488). In at least one individual the data is consistent with being in trans (on the opposite chromosome) from a pathogenic variant. This variant is present in population databases (no rsID available, gnomAD 0.03%). This sequence change replaces proline, which is neutral and non-polar, with leucine, which is neutral and non-polar, at codon 248 of the GCDH protein (p.Pro248Leu).

Women's Health and Genetics/Laboratory Corporation of America, LabCorp
Classification: Pathogenic for Glutaric aciduria, type 1. Last evaluated: 2023-04-17. Review status: criteria provided, single submitter. Criteria: LabCorp Variant Classification Summary - May 2015. Collection method: clinical testing. Allele origin: germline.
Comment: Variant summary: GCDH c.743C>T (p.Pro248Leu) results in a non-conservative amino acid change located in the Acyl-CoA oxidase/dehydrogenase, middle domain (IPR006091) of the encoded protein sequence. Five of five in-silico tools predict a damaging effect of the variant on protein function. The variant was absent in 251420 control chromosomes. c.743C>T has been reported in the literature as biallelic homozygous or compound heterozygous genotypes in multiple individuals affected with Glutaric Acidemia Type 1 (example, Christensen_2004, Klavuz_2021). These data indicate that the variant is very likely to be associated with disease. At least one publication reports experimental evidence evaluating an impact on protein function. The most pronounced variant effect results in 1-5% of normal glutaryl-CoA dehydrogenase activity in fibroblasts from a homozygous individual (Christensen_2004). Three clinical diagnostic laboratories have submitted clinical-significance assessments for this variant to ClinVar after 2014 without evidence for independent evaluation. All laboratories classified the variant as pathogenic/likely pathogenic. Based on the evidence outlined above, the variant was classified as pathogenic.

Blueprint Genetics
Classification: Pathogenic for GCDH-related disorders. Last evaluated: 2023-02-10. Review status: criteria provided, single submitter. Criteria: ACMG Guidelines, 2015. Collection method: clinical testing. Allele origin: germline. Affected: yes. Observed: 5 variant alleles.

GeneDx
Classification: Pathogenic. Last evaluated: 2020-11-21. Review status: criteria provided, single submitter. Criteria: GeneDx Variant Classification Process June 2021. Collection method: clinical testing. Allele origin: germline. Affected: yes.
Comment: Published functional studies demonstrate a damaging effect with significantly reduced protein expression and an increase in protein degradation compared to wild type (Schmiesing et al., 2017); This variant is associated with the following publications: (PMID: 32777384, 32240488, 32992790, 16377226, 10699052, 15505393, 11058907, 15505400, 16641220, 11073722, 19433437, 28062662, 17622945, 29458885, 28438223, 20978942, 15505399, 27527619)

Institute of Human Genetics, University of Leipzig Medical Center
Classification: Pathogenic for Glutaric aciduria, type 1. Last evaluated: 2020-03-01. Review status: criteria provided, single submitter. Criteria: ACMG Guidelines, 2015. Collection method: clinical testing. Allele origin: biparental. Inheritance: Autosomal recessive inheritance. Affected: yes.
Comment: Review of the variants reported in Reuter et al., 2017, PMID: 28097321: PS3,PM2,PM3_Strong,PP3

Kariminejad - Najmabadi Pathology & Genetics Center
Classification: Likely pathogenic for Glutaric aciduria, type 1. Review status: criteria provided, single submitter. Criteria: ACMG Guidelines, 2015. Collection method: clinical testing. Allele origin: germline. Affected: no.

Counsyl
Classification: Likely pathogenic for Glutaric aciduria, type 1. Last evaluated: 2015-12-23. Review status: no assertion criteria provided. Collection method: clinical testing. Allele origin: unknown. Not counted in ClinVar's aggregate classification.

Literature cited by the submitters: PubMed 33578440 (cited by 3 submitters); PubMed 28062662 (cited by 3billion and Women's Health and Genetics/Laboratory Corporation of America, LabCorp); PubMed 15505393 (cited by 3 submitters); PubMed 10699052 (cited by 3billion and Counsyl); PubMed 16377226 (cited by Labcorp Genetics (formerly Invitae), Labcorp and Counsyl); PubMed 28438223 (cited by Labcorp Genetics (formerly Invitae), Labcorp); PubMed 32240488 (cited by Labcorp Genetics (formerly Invitae), Labcorp); PubMed 11073722 (cited by Counsyl); PubMed 15505400 (cited by Counsyl).